The following is an entry in ClinVar:

ClinVar aggregate classification (germline): Uncertain significance. Review status: criteria provided, multiple submitters, no conflicts (2 of 4 stars). 2 submissions from 2 submitters: Uncertain significance (2). Last evaluated 2025-02-13.

Conditions:
Neuropathy, hereditary sensory, type 2C. Also called: KIF1A-Related HSAN2 (HSAN2C); Hereditary sensory and autonomic neuropathy type IIC. Identifiers: Orphanet 970, MedGen C3280168, MONDO:0013634, OMIM 614213.
Hereditary spastic paraplegia 30. Identifiers: Orphanet 101010, MedGen C5235139, MONDO:0012476.
Intellectual disability, autosomal dominant 9 (NESCAVS). Also called: NESCAV SYNDROME; KIF1A-Related Neurodevelopmental Disorder. Identifiers: Orphanet 662367, MedGen C5393830, MONDO:0013656, OMIM 614255.

Submissions (2):

GeneDx
Classification: Uncertain significance. Last evaluated: 2025-02-13. Review status: criteria provided, single submitter. Criteria: GeneDx Variant Classification Process June 2021. Collection method: clinical testing. Allele origin: germline. Affected: yes.
Comment: Frameshift variant predicted to result in abnormal protein length as the last 3 amino acids are replaced with 2 different amino acids; Not observed at significant frequency in large population cohorts (gnomAD); Has not been previously published as pathogenic or benign to our knowledge

Labcorp Genetics (formerly Invitae), Labcorp
Classification: Uncertain significance for Hereditary spastic paraplegia 30; Neuropathy, hereditary sensory, type 2C; Intellectual disability, autosomal dominant 9. Last evaluated: 2024-01-19. Review status: criteria provided, single submitter. Criteria: Invitae Variant Classification Sherloc (09022015). Collection method: clinical testing. Allele origin: germline.
Comment: This variant, c.5064_*11del, is a complex sequence change that results in the deletion of 3 and insertion of 2 amino acid(s) in the KIF1A protein (p.Met1688_Val1690delinsIlePro). This variant is not present in population databases (gnomAD no frequency). This variant has not been reported in the literature in individuals affected with KIF1A-related conditions. Experimental studies and prediction algorithms are not available or were not evaluated, and the functional significance of this variant is currently unknown. In summary, the available evidence is currently insufficient to determine the role of this variant in disease. Therefore, it has been classified as a Variant of Uncertain Significance.

NM_001244008.2(KIF1A):c.5367_*11del (p.Met1789_Ter1792delinsXaa)

Gene: KIF1A (kinesin family member 1A; minus strand). Cytogenetic location: 2q37.3.
Variant type: Deletion.
Coding change: c.5367_*11del on transcript NM_001244008.2 (MANE Select); coding-DNA position 5367 through 11 bases downstream of the stop codon, 21 bases deleted (GCGGGTCTGAACCTGAGCCCT).
Protein change: p.Met1789_Ter1792delinsXaa.
Molecular consequence: stop lost.
Genome position (GRCh38, 1-based): chr2:240,717,353-240,717,373, AGGGCTCAGGTTCAGACCCGC deleted on the plus strand (GCGGGTCTGAACCTGAGCCCT on the coding strand, the reverse complement: KIF1A is on the minus strand); deleting any 21 consecutive bases within chr2:240,717,353-240,717,374 gives the same sequence; the c. name uses the placement nearest the transcript's 3' end. VCF-style (leftmost placement, unchanged base first): chr2-240717352-GAGGGCTCAGGTTCAGACCCGC-G. GRCh37 (hg19) VCF-style: chr2-241656769-GAGGGCTCAGGTTCAGACCCGC-G.
Other names: c.5091_*11del, p.Met1697_Ter1700delinsXaa (NM_001320705.2, NM_001379649.1); c.5118_*11del, p.Met1706_Ter1709delinsXaa (NM_001330289.2); c.5166_*11del, p.Met1722_Ter1725delinsXaa (NM_001330290.2, NM_001379648.1); c.5442_*11del, p.Met1814_Ter1817delinsXaa (NM_001379631.1); c.5343_*11del, p.Met1781_Ter1784delinsXaa (NM_001379632.1); c.5340_*11del, p.Met1780_Ter1783delinsXaa (NM_001379633.1, NM_001379645.1); c.5193_*11del, p.Met1731_Ter1734delinsXaa (NM_001379634.1); c.5190_*11del, p.Met1730_Ter1733delinsXaa (NM_001379635.1, NM_001379646.1); and 9 more.
Identifiers: ClinVar variation 2946782 (VCV002946782.4), dbSNP rs2536549886, ClinGen allele CA2740096512.